The following is an entry in ClinVar:

ClinVar aggregate classification (germline): Uncertain significance (1 of 4 stars; one submission).

gnomAD v4.1: 1 of 1,614,278 alleles (0.000062%); highest among the groups gnomAD compares: Non-Finnish European, 0.000085%; no homozygotes.

Submission:

GeneDx
Classification: Uncertain significance. Last evaluated: 2025-01-10. Review status: criteria provided, single submitter. Criteria: GeneDx Variant Classification Process June 2021. Collection method: clinical testing. Allele origin: germline. Affected: yes.
Comment: Not observed at significant frequency in large population cohorts (gnomAD); In silico analysis indicates that this missense variant does not alter protein structure/function; Has not been previously published as pathogenic or benign to our knowledge

NM_001282531.3(ADNP):c.1546T>C (p.Tyr516His)

Gene: ADNP (activity dependent neuroprotector homeobox; minus strand). Cytogenetic location: 20q13.13.
Variant type: single nucleotide variant.
Coding change: c.1546T>C on transcript NM_001282531.3 (MANE Select); coding-DNA position 1546, T replaced by C.
Protein change: p.Tyr516His; replaces tyrosine 516 with histidine.
Molecular consequence: missense variant.
Genome position (GRCh38, 1-based): chr20:50,893,168, A>G on the plus strand (T>C on the coding strand, the complement: ADNP is on the minus strand). VCF-style: chr20-50893168-A-G. GRCh37 (hg19) VCF-style: chr20-49509705-A-G.
Other names: c.1546T>C, p.Tyr516His (NM_001282532.2, NM_001347511.2, NM_015339.5 and 1 more transcripts); short protein forms Y516H.
Identifiers: ClinVar variation 4071576 (VCV004071576.1).
Genomic context (GRCh38, chr20:50,893,168, plus strand): 5'-TGTGAACCATCCGCATGTGTGCGGCCATCTTTTCCACATCATTGAAAGTTGAACGGCAAT[A>G]TGGACAAGACAGACCATGAATTAACATATGGTTGAGCAGAGTATCTGTGGGTAAATAGCG-3'
Protein context (NP_001269460.1, residues 506-526): HMLIHGLSCP[Tyr516His]CRSTFNDVEK